The following is an entry in ClinVar:

NM_001010874.5(TECRL):c.835A>G (p.Asn279Asp)

Gene: TECRL (trans-2,3-enoyl-CoA reductase like; minus strand). Cytogenetic location: 4q13.1.
Variant type: single nucleotide variant.
Coding change: c.835A>G on transcript NM_001010874.5 (MANE Select); coding-DNA position 835, A replaced by G.
Protein change: p.Asn279Asp; replaces asparagine 279 with aspartic acid.
Molecular consequence: missense variant.
Genome position (GRCh38, 1-based): chr4:64,281,557, T>C on the plus strand (A>G on the coding strand, the complement: TECRL is on the minus strand). VCF-style: chr4-64281557-T-C. GRCh37 (hg19) VCF-style: chr4-65147275-T-C.
Other names: c.835A>G, p.Asn279Asp (NM_001363796.1); short protein forms N279D.
Identifiers: ClinVar variation 1763067 (VCV001763067.3), dbSNP rs370208983, ClinGen allele CA2935329.

ClinVar aggregate classification (germline): Uncertain significance (1 of 4 stars; one submission).

Conditions:
Cardiovascular phenotype. Identifiers: MedGen CN230736.

Allele frequency attached by ClinVar (database versions not stated): ExAC 0.00001; gnomAD exomes 0.00001; ESP Exome Variant Server 0.00008.
gnomAD v4.1: 7 of 1,586,640 alleles (0.00044%); highest among the groups gnomAD compares: Non-Finnish European, 0.00052%; no homozygotes.

Submission:

Ambry Genetics
Classification: Uncertain significance for Cardiovascular phenotype. Last evaluated: 2024-04-09. Review status: criteria provided, single submitter. Criteria: Ambry Variant Classification Scheme 2023. Collection method: clinical testing. Allele origin: germline.
Comment: The p.N279D variant (also known as c.835A>G), located in coding exon 10 of the TECRL gene, results from an A to G substitution at nucleotide position 835. The asparagine at codon 279 is replaced by aspartic acid, an amino acid with highly similar properties. This amino acid position is not well conserved in available vertebrate species. In addition, this alteration is predicted to be tolerated by in silico analysis. Since supporting evidence is limited at this time, the clinical significance of this alteration remains unclear.